The following is an entry in ClinVar:

ClinVar aggregate classification (germline): Likely benign. Review status: criteria provided, multiple submitters, no conflicts (2 of 4 stars). 2 submissions from 2 submitters: Likely benign (2). Last evaluated 2025-12-23.

Allele frequency attached by ClinVar (database versions not stated): TOPMed 0.00001.

Submissions (2):

Labcorp Genetics (formerly Invitae), Labcorp
Classification: Likely benign. Last evaluated: 2025-12-23. Review status: criteria provided, single submitter. Criteria: Invitae Variant Classification Sherloc (09022015). Collection method: clinical testing. Allele origin: germline.

Mayo Clinic Laboratories, Mayo Clinic
Classification: Likely benign. Last evaluated: 2025-08-22. Review status: criteria provided, single submitter. Criteria: ACMG Guidelines, 2015. Collection method: clinical testing. Allele origin: germline. Observed: 1 variant allele.
Comment: BP4, BP7

NM_006563.5(KLF1):c.681C>A (p.Pro227=)

Gene: KLF1 (KLF transcription factor 1; minus strand). Cytogenetic location: 19p13.13.
Variant type: single nucleotide variant.
Coding change: c.681C>A on transcript NM_006563.5 (MANE Select); coding-DNA position 681, C replaced by A.
Protein change: p.Pro227=; no amino-acid change (proline 227 retained).
Molecular consequence: synonymous variant.
Genome position (GRCh38, 1-based): chr19:12,885,549, G>T on the plus strand (C>A on the coding strand, the complement: KLF1 is on the minus strand). VCF-style: chr19-12885549-G-T. GRCh37 (hg19) VCF-style: chr19-12996363-G-T.
Other names: p.Pro227=.
Identifiers: ClinVar variation 2898432 (VCV002898432.4), dbSNP rs899654024, ClinGen allele CA305499533.